The following is an entry in ClinVar:

NM_198253.3(TERT):c.3157+5G>A

Gene: TERT (telomerase reverse transcriptase; minus strand). Cytogenetic location: 5p15.33.
Variant type: single nucleotide variant.
Coding change: c.3157+5G>A on transcript NM_198253.3 (MANE Select); 5 bases into the intron after coding-DNA position 3157, G replaced by A.
Molecular consequence: intron variant.
Genome position (GRCh38, 1-based): chr5:1,255,282, C>T on the plus strand (G>A on the coding strand, the complement: TERT is on the minus strand). VCF-style: chr5-1255282-C-T. GRCh37 (hg19) VCF-style: chr5-1255397-C-T.
Other names: c.2968+5G>A (NM_001193376.3).
Identifiers: ClinVar variation 1999189 (VCV001999189.4), dbSNP rs1747635457, ClinGen allele CA1522534619.

ClinVar aggregate classification (germline): Uncertain significance (1 of 4 stars; one submission).

Conditions:
Dyskeratosis congenita, autosomal dominant 2. Identifiers: MedGen C3151443, MONDO:0013521, OMIM 613989.
Idiopathic Pulmonary Fibrosis. Also called: Idiopathic fibrosing alveolitis, chronic form; idiopathic fibrosing alveolitis. Identifiers: Orphanet 2032, MedGen C1800706, MeSH D054990, MONDO:0800504.

Submission:

Labcorp Genetics (formerly Invitae), Labcorp
Classification: Uncertain significance for Dyskeratosis congenita, autosomal dominant 2; Idiopathic Pulmonary Fibrosis. Last evaluated: 2023-03-03. Review status: criteria provided, single submitter. Criteria: Invitae Variant Classification Sherloc (09022015). Collection method: clinical testing. Allele origin: germline.
Comment: This sequence change falls in intron 14 of the TERT gene. It does not directly change the encoded amino acid sequence of the TERT protein. It affects a nucleotide within the consensus splice site. In summary, the available evidence is currently insufficient to determine the role of this variant in disease. Therefore, it has been classified as a Variant of Uncertain Significance. Variants that disrupt the consensus splice site are a relatively common cause of aberrant splicing (PMID: 17576681, 9536098). Algorithms developed to predict the effect of sequence changes on RNA splicing suggest that this variant may create or strengthen a splice site. ClinVar contains an entry for this variant (Variation ID: 1999189). This variant has not been reported in the literature in individuals affected with TERT-related conditions. This variant is not present in population databases (gnomAD no frequency).

Literature cited by the submitters: PubMed 17576681; PubMed 9536098.